The following is an entry in ClinVar:

ClinVar aggregate classification (germline): Uncertain significance (1 of 4 stars; one submission).

Submission:

Women's Health and Genetics/Laboratory Corporation of America, LabCorp
Classification: Uncertain significance. Last evaluated: 2026-05-27. Review status: criteria provided, single submitter. Criteria: LabCorp Variant Classification Summary - May 2015. Collection method: clinical testing. Allele origin: germline.
Comment: Variant summary: ZNF469 c.6835C>G (p.Pro2279Ala) results in a non-conservative amino acid change in the encoded protein sequence. Algorithms developed to predict the effect of missense changes on protein structure and function are either unavailable or do not agree on the potential impact of this missense change. The variant was absent in 152210 control chromosomes. The available data on variant occurrences in the general population are insufficient to allow any conclusion about variant significance. To our knowledge, no occurrence of c.6835C>G in individuals affected with ZNF469-related conditions and no experimental evidence demonstrating its impact on protein function have been reported. No submitters have cited clinical-significance assessments for this variant to ClinVar. Based on the evidence outlined above, the variant was classified as uncertain significance.

NM_001367624.2(ZNF469):c.6835C>G (p.Pro2279Ala)

Gene: ZNF469 (zinc finger protein 469; plus strand). Cytogenetic location: 16q24.2.
Variant type: single nucleotide variant.
Coding change: c.6835C>G on transcript NM_001367624.2 (MANE Select); coding-DNA position 6835, C replaced by G.
Protein change: p.Pro2279Ala; replaces proline 2279 with alanine.
Molecular consequence: missense variant.
Genome position (GRCh38, 1-based): chr16:88,434,305, C>G. VCF-style: chr16-88434305-C-G. GRCh37 (hg19) VCF-style: chr16-88500713-C-G.
Other names: short protein forms P2279A.
Identifiers: ClinVar variation 4853646 (VCV004853646.1).